The following is an entry in ClinVar:

ClinVar aggregate classification (germline): Pathogenic/Likely pathogenic. Review status: criteria provided, multiple submitters, no conflicts (2 of 4 stars). 3 submissions from 3 submitters: Pathogenic (1); Likely pathogenic (2). Last evaluated 2025-10-29.

Conditions:
RPGRIP1L-related disorder. Also called: RPGRIP1L-related condition; RPGRIP1L-related disorders. Identifiers: MedGen CN239416.
Joubert syndrome. Also called: JOUBERT-BOLTSHAUSER SYNDROME; Familial aplasia of the vermis. Identifiers: Orphanet 475, MedGen C5979921, MONDO:0018772.
Meckel-Gruber syndrome. Also called: DYSENCEPHALIA SPLANCHNOCYSTICA; GRUBER SYNDROME; Dysencephalia splachnocystica. Identifiers: Orphanet 564, MedGen C0265215, MONDO:0018921.

Submissions (3):

Natera, Inc.
Classification: Likely pathogenic for Joubert syndrome. Last evaluated: 2025-10-29. Review status: criteria provided, single submitter. Criteria: Natera Variant Classification Schema (03/2026). Collection method: clinical testing. Allele origin: germline.
Comment: The c.2322delC variant in RPGRIP1L is a frameshift variant predicted to shift the reading frame beginning at codon 776 and leads to a stop codon 14 codons downstream. This variant is expected to result in nonsense mediated decay, truncation, or a dysfunctional protein product. This variant is rare in the general population with a frequency below the threshold expected for the associated phenotype(s). Given the available evidence, this variant is classified as Likely Pathogenic.

Blueprint Genetics
Classification: Likely pathogenic for RPGRIP1L-related disorders. Last evaluated: 2024-11-25. Review status: criteria provided, single submitter. Criteria: ACMG Guidelines, 2015. Collection method: clinical testing. Allele origin: germline. Affected: yes. Observed: 4 variant alleles.

Labcorp Genetics (formerly Invitae), Labcorp
Classification: Pathogenic for Joubert syndrome; Meckel-Gruber syndrome. Last evaluated: 2023-08-19. Review status: criteria provided, single submitter. Criteria: Invitae Variant Classification Sherloc (09022015). Collection method: clinical testing. Allele origin: germline.
Comment: For these reasons, this variant has been classified as Pathogenic. ClinVar contains an entry for this variant (Variation ID: 1076055). This variant has not been reported in the literature in individuals affected with RPGRIP1L-related conditions. This variant is present in population databases (no rsID available, gnomAD 0.0009%). This sequence change creates a premature translational stop signal (p.Thr776Leufs*14) in the RPGRIP1L gene. It is expected to result in an absent or disrupted protein product. Loss-of-function variants in RPGRIP1L are known to be pathogenic (PMID: 17558409).

Literature cited by the submitters: PubMed 17558409 (cited by Labcorp Genetics (formerly Invitae), Labcorp).

NM_015272.5(RPGRIP1L):c.2322del (p.Thr776fs)

Gene: RPGRIP1L (RPGRIP1 like; minus strand). Cytogenetic location: 16q12.2.
Variant type: Deletion.
Coding change: c.2322del on transcript NM_015272.5 (MANE Select); coding-DNA position 2322, one base deleted (C; older notation c.2322delC).
Protein change: p.Thr776fs; shifts the reading frame from threonine 776.
Molecular consequence: frameshift variant.
Genome position (GRCh38, 1-based): chr16:53,645,986, G deleted on the plus strand (C on the coding strand, the reverse complement: RPGRIP1L is on the minus strand); the first of 3 consecutive G bases (chr16:53,645,986-53,645,988); deleting any one gives the same sequence. VCF-style (leftmost placement, unchanged base first): chr16-53645985-TG-T. GRCh37 (hg19) VCF-style: chr16-53679897-TG-T.
Other names: c.2322delC (NM_015272.4); c.2322del, p.Thr776fs (NM_001127897.4, NM_001308334.3, NM_001330538.2); short protein forms T776fs.
Identifiers: ClinVar variation 1076055 (VCV001076055.9), dbSNP rs1253568005, ClinGen allele CA622655329.